The following is an entry in ClinVar:

ClinVar aggregate classification (germline): Likely pathogenic (1 of 4 stars; one submission).

Conditions:
Familial thoracic aortic aneurysm and aortic dissection (TAAD). Also called: Thoracic aortic aneurysms and dissections. Identifiers: Orphanet 91387, MedGen C4707243, MONDO:0019625.

Submission:

Ambry Genetics
Classification: Likely pathogenic for Familial thoracic aortic aneurysm and aortic dissection. Last evaluated: 2025-11-10. Review status: criteria provided, single submitter. Criteria: Ambry Variant Classification Scheme 2023. Collection method: clinical testing. Allele origin: germline.
Comment: The p.C1806S variant (also known as c.5417G>C), located in coding exon 43 of the FBN1 gene, results from a G to C substitution at nucleotide position 5417. The cysteine at codon 1806 is replaced by serine, an amino acid with dissimilar properties. This variant has been detected in individuals with features consistent with Marfan syndrome (Katzke S et al. Hum Mutat, 2002 Sep;20:197-208; Comeglio P et al. Hum Mutat, 2007 Sep;28:928; Ambry internal data). The majority of FBN1 mutations identified to date have involved the substitution or generation of cysteine residues within cbEGF domains (Vollbrandt T et al. J Biol Chem. 2004;279(31):32924-32931). Internal structural analysis indicates this alteration eliminates a disulfide bond critical for the structural integrity of the cbEGF25 domain (Ambry internal data). This amino acid position is highly conserved in available vertebrate species. In addition, this alteration is predicted to be deleterious by in silico analysis. This variant is considered to be rare based on population cohorts in the Genome Aggregation Database (gnomAD). Based on the majority of available evidence to date, this variant is likely to be pathogenic.

Literature cited by the submitters: PubMed 12203992; PubMed 17657824.

NM_000138.5(FBN1):c.5417G>C (p.Cys1806Ser)

Gene: FBN1 (fibrillin 1; minus strand). Cytogenetic location: 15q21.1.
Variant type: single nucleotide variant.
Coding change: c.5417G>C on transcript NM_000138.5 (MANE Select); coding-DNA position 5417, G replaced by C.
Protein change: p.Cys1806Ser; replaces cysteine 1806 with serine.
Molecular consequence: missense variant.
Genome position (GRCh38, 1-based): chr15:48,456,642, C>G on the plus strand (G>C on the coding strand, the complement: FBN1 is on the minus strand). VCF-style: chr15-48456642-C-G. GRCh37 (hg19) VCF-style: chr15-48748839-C-G.
Other names: c.5417G>C, p.Cys1806Ser (NM_001406716.1); short protein forms C1806S.
Identifiers: ClinVar variation 3513521 (VCV003513521.2).
Genomic context (GRCh38, chr15:48,456,642, plus strand): 5'-AGTAGCTCATCAGTTAGCTCTTTTCTGGATATGATAAAGTCATGATGCCACTTACCTTCA[C>G]AAACCAACAACTTGTCATTATAGAAGAATCCCACTGGACATTCACATCGGAAGCTGCCAA-3'
Protein context (NP_000129.3, residues 1796-1816): GFFYNDKLLV[Cys1806Ser]EDIDECQNGP